The following is an entry in ClinVar:

ClinVar aggregate classification (germline): Uncertain significance (1 of 4 stars; one submission).

gnomAD v4.1: 1 of 1,613,734 alleles (0.000062%); highest among the groups gnomAD compares: Non-Finnish European, 0.000085%; no homozygotes.

Submission:

Labcorp Genetics (formerly Invitae), Labcorp
Classification: Uncertain significance. Last evaluated: 2024-02-16. Review status: criteria provided, single submitter. Criteria: Invitae Variant Classification Sherloc (09022015). Collection method: clinical testing. Allele origin: germline.
Comment: This sequence change replaces valine, which is neutral and non-polar, with alanine, which is neutral and non-polar, at codon 1939 of the COL7A1 protein (p.Val1939Ala). This variant is present in population databases (no rsID available, gnomAD 0.0009%). This variant has not been reported in the literature in individuals affected with COL7A1-related conditions. Advanced modeling of protein sequence and biophysical properties (such as structural, functional, and spatial information, amino acid conservation, physicochemical variation, residue mobility, and thermodynamic stability) performed at Invitae indicates that this missense variant is not expected to disrupt COL7A1 protein function with a negative predictive value of 95%. In summary, the available evidence is currently insufficient to determine the role of this variant in disease. Therefore, it has been classified as a Variant of Uncertain Significance.

NM_000094.4(COL7A1):c.5816T>C (p.Val1939Ala)

Gene: COL7A1 (collagen type VII alpha 1 chain; minus strand). Cytogenetic location: 3p21.31.
Variant type: single nucleotide variant.
Coding change: c.5816T>C on transcript NM_000094.4 (MANE Select); coding-DNA position 5816, T replaced by C.
Protein change: p.Val1939Ala; replaces valine 1939 with alanine.
Molecular consequence: missense variant.
Genome position (GRCh38, 1-based): chr3:48,576,253, A>G on the plus strand (T>C on the coding strand, the complement: COL7A1 is on the minus strand). VCF-style: chr3-48576253-A-G. GRCh37 (hg19) VCF-style: chr3-48613686-A-G.
Other names: short protein forms V1939A.
Identifiers: ClinVar variation 3621045 (VCV003621045.2).